The following is an entry in ClinVar:

NM_000038.6(APC):c.5662A>C (p.Lys1888Gln)

Gene: APC (APC regulator of Wnt signaling pathway; plus strand). Cytogenetic location: 5q22.2.
Variant type: single nucleotide variant.
Coding change: c.5662A>C on transcript NM_000038.6 (MANE Select); coding-DNA position 5662, A replaced by C.
Protein change: p.Lys1888Gln; replaces lysine 1888 with glutamine.
Molecular consequence: missense variant.
Genome position (GRCh38, 1-based): chr5:112,841,256, A>C. VCF-style: chr5-112841256-A-C. GRCh37 (hg19) VCF-style: chr5-112176953-A-C.
Other names: c.5662A>C, p.Lys1888Gln (NM_001127510.3, NM_001354895.2); c.5608A>C, p.Lys1870Gln (NM_001127511.3); c.5716A>C, p.Lys1906Gln (NM_001354896.2); c.5692A>C, p.Lys1898Gln (NM_001354897.2); c.5587A>C, p.Lys1863Gln (NM_001354898.2); c.5578A>C, p.Lys1860Gln (NM_001354899.2); c.5539A>C, p.Lys1847Gln (NM_001354900.2); c.5485A>C, p.Lys1829Gln (NM_001354901.2); and 5 more; short protein forms K1605Q, K1863Q, K1870Q, K1762Q, K1797Q, K1829Q, K1888Q, K1728Q.
Identifiers: ClinVar variation 1371757 (VCV001371757.6), dbSNP rs2149945882, ClinGen allele CA16033727.
Genomic context (GRCh38, chr5:112,841,256, plus strand): 5'-GATGATGATGATGTTGACCTTTCCAGGGAAAAGGCTGAATTAAGAAAGGCAAAAGAAAAT[A>C]AGGAATCAGAGGCTAAAGTTACCAGCCACACAGAACTAACCTCCAACCAACAATCAGCTA-3'
Protein context (NP_000029.2, residues 1878-1898): KAELRKAKEN[Lys1888Gln]ESEAKVTSHT

ClinVar aggregate classification (germline): Uncertain significance (1 of 4 stars; one submission).

Conditions:
Familial adenomatous polyposis 1 (FAP1). Also called: FAMILIAL ADENOMATOUS POLYPOSIS 1, ATTENUATED; POLYPOSIS, ADENOMATOUS INTESTINAL. Identifiers: MedGen C2713442, MONDO:0021056, OMIM 175100. Disease mechanism: loss of function.

Submission:

Labcorp Genetics (formerly Invitae), Labcorp
Classification: Uncertain significance for Familial adenomatous polyposis 1. Last evaluated: 2021-08-02. Review status: criteria provided, single submitter. Criteria: Invitae Variant Classification Sherloc (09022015). Collection method: clinical testing. Allele origin: germline.
Comment: In summary, the available evidence is currently insufficient to determine the role of this variant in disease. Therefore, it has been classified as a Variant of Uncertain Significance. Algorithms developed to predict the effect of missense changes on protein structure and function (SIFT, PolyPhen-2, Align-GVGD) all suggest that this variant is likely to be tolerated. This variant has not been reported in the literature in individuals affected with APC-related conditions. This variant is not present in population databases (ExAC no frequency). This sequence change replaces lysine with glutamine at codon 1888 of the APC protein (p.Lys1888Gln). The lysine residue is highly conserved and there is a small physicochemical difference between lysine and glutamine.